The following is an entry in ClinVar:

NM_001429.4(EP300):c.1442C>T (p.Pro481Leu)

Gene: EP300 (EP300 lysine acetyltransferase; plus strand). Cytogenetic location: 22q13.2.
Variant type: single nucleotide variant.
Coding change: c.1442C>T on transcript NM_001429.4 (MANE Select); coding-DNA position 1442, C replaced by T.
Protein change: p.Pro481Leu; replaces proline 481 with leucine.
Molecular consequence: missense variant.
Genome position (GRCh38, 1-based): chr22:41,131,547, C>T. VCF-style: chr22-41131547-C-T. GRCh37 (hg19) VCF-style: chr22-41527551-C-T.
Other names: c.1442C>T, p.Pro481Leu (NM_001362843.2); c.1442C>T (NM_001429.3); short protein forms P481L.
Identifiers: ClinVar variation 595149 (VCV000595149.7), dbSNP rs533244094, ClinGen allele CA10252508.

ClinVar aggregate classification (germline): Conflicting classifications of pathogenicity. Review status: criteria provided, conflicting classifications (1 of 4 stars). 3 submissions from 3 submitters: Uncertain significance (1); Likely benign (1). 1 of the submissions does not count toward it. Last evaluated 2025-09-03.

Conditions:
EP300-related disorder. Also called: EP300-related condition; EP300-related disorders.
Rubinstein-Taybi syndrome due to EP300 haploinsufficiency. Also called: EP300-Related Rubinstein-Taybi Syndrome; RUBINSTEIN-TAYBI SYNDROME 2. Identifiers: Orphanet 353284, Orphanet 783, MedGen C3150941, MONDO:0013364, OMIM 613684.

Allele frequency attached by ClinVar (database versions not stated): TOPMed below 0.00001; gnomAD 0.00001; 1000 Genomes Project 30x 0.00016; 1000 Genomes Project 0.00020.
gnomAD v4.1: 27 of 1,613,882 alleles (0.0017%); highest among the groups gnomAD compares: Admixed American, 0.005%; no homozygotes.

Submissions (3):

Labcorp Genetics (formerly Invitae), Labcorp
Classification: Likely benign for Rubinstein-Taybi syndrome due to EP300 haploinsufficiency. Last evaluated: 2025-09-03. Review status: criteria provided, single submitter. Criteria: Invitae Variant Classification Sherloc (09022015). Collection method: clinical testing. Allele origin: germline.

Eurofins Ntd Llc (ga)
Classification: Uncertain significance. Last evaluated: 2017-12-07. Review status: criteria provided, single submitter. Criteria: EGL Classification Definitions 2015. Collection method: clinical testing. Allele origin: germline. Observed: 2 variant alleles, 2 heterozygotes.

PreventionGenetics, part of Exact Sciences
Classification: Uncertain significance for EP300-related condition. Last evaluated: 2024-05-29. Review status: no assertion criteria provided. Collection method: clinical testing. Allele origin: germline. Not counted in ClinVar's aggregate classification.
Comment: The EP300 c.1442C>T variant is predicted to result in the amino acid substitution p.Pro481Leu. To our knowledge, this variant has not been reported in the literature. This variant is reported in 0.0029% of alleles in individuals of Latino descent in gnomAD. At this time, the clinical significance of this variant is uncertain due to the absence of conclusive functional and genetic evidence.